The following is an entry in ClinVar:

ClinVar aggregate classification (germline): Uncertain significance (1 of 4 stars; one submission).

Submission:

Mayo Clinic Laboratories, Mayo Clinic
Classification: Uncertain significance. Last evaluated: 2025-04-08. Review status: criteria provided, single submitter. Criteria: ACMG Guidelines, 2015. Collection method: clinical testing. Allele origin: germline. Observed: 1 variant allele.
Comment: BP4_moderate

NM_001365276.2(TNXB):c.10959G>T (p.Glu3653Asp)

Genes: TNXB (tenascin XB; minus strand), LOC106780803 (tenascin XB recombination region; plus strand). Cytogenetic location: 6p21.33.
Variant type: single nucleotide variant.
Coding change: c.10959G>T on transcript NM_001365276.2 (MANE Select); coding-DNA position 10959, G replaced by T.
Protein change: p.Glu3653Asp; replaces glutamic acid 3653 with aspartic acid.
Molecular consequence: missense variant.
Genome position (GRCh38, 1-based): chr6:32,044,685, C>A on the plus strand (G>T on the coding strand, the complement: TNXB is on the minus strand). VCF-style: chr6-32044685-C-A. GRCh37 (hg19) VCF-style: chr6-32012462-C-A.
Other names: p.Glu3651Asp; c.11700G>T, p.Glu3900Asp (NM_001428335.1); c.10953G>T, p.Glu3651Asp (NM_019105.8); c.246G>T, p.Glu82Asp (NM_032470.4); short protein forms E3653D, E3900D, E82D, E3651D.
Identifiers: ClinVar variation 4541131 (VCV004541131.1).
Genomic context (GRCh38, chr6:32,044,685, plus strand): 5'-GAGCCTCAGTGAACTGGTGGTCACGTCAGTCACAGACAGCTGGGACAGGCGGGGCCTTGA[C>A]TCCTCTGAGGTCTGACCAGCAGGAGCCAGCCCTGCACGGAGTGGGTGGGGGAGAAGGGAT-3'
Protein context (NP_001352205.1, residues 3643-3663): GLAPAGQTSE[Glu3653Asp]SRPRLSQLSV